The following is an entry in ClinVar:

ClinVar aggregate classification (germline): Uncertain significance (1 of 4 stars; one submission).

gnomAD v4.1: 2 of 1,613,994 alleles (0.00012%); highest among the groups gnomAD compares: Non-Finnish European, 0.00017%; no homozygotes.

Submission:

GeneDx
Classification: Uncertain significance. Last evaluated: 2022-07-01. Review status: criteria provided, single submitter. Criteria: GeneDx Variant Classification Process June 2021. Collection method: clinical testing. Allele origin: germline. Affected: yes.
Comment: Not observed at significant frequency in large population cohorts (gnomAD); In silico analysis supports that this missense variant has a deleterious effect on protein structure/function; Missense variant in a gene in which most reported pathogenic variants are truncating/loss of function; Has not been previously published as pathogenic or benign to our knowledge

NM_001130438.3(SPTAN1):c.1739G>A (p.Arg580His)

Gene: SPTAN1 (spectrin alpha, non-erythrocytic 1; plus strand). Cytogenetic location: 9q34.11.
Variant type: single nucleotide variant.
Coding change: c.1739G>A on transcript NM_001130438.3 (MANE Select); coding-DNA position 1739, G replaced by A.
Protein change: p.Arg580His; replaces arginine 580 with histidine.
Molecular consequence: missense variant.
Genome position (GRCh38, 1-based): chr9:128,582,782, G>A. VCF-style: chr9-128582782-G-A. GRCh37 (hg19) VCF-style: chr9-131345061-G-A.
Other names: c.1739G>A, p.Arg580His (NM_001195532.2, NM_001363759.2, NM_001363765.2 and 5 more transcripts); c.1775G>A, p.Arg592His (NM_001375312.2, NM_001375318.1); short protein forms R580H, R592H.
Identifiers: ClinVar variation 1810034 (VCV001810034.1), dbSNP rs778485732, ClinGen allele CA375055079.